The following is an entry in ClinVar:

NM_172240.3(POC1B):c.1332+5G>C

Genes: POC1B (POC1 centriolar protein B; minus strand), POC1B-DUSP6 (POC1B-DUSP6 readthrough; minus strand). Cytogenetic location: 12q21.33.
Variant type: single nucleotide variant.
Coding change: c.1332+5G>C on transcript NM_172240.3 (MANE Select); 5 bases into the intron after coding-DNA position 1332, G replaced by C.
Molecular consequence: intron variant.
Genome position (GRCh38, 1-based): chr12:89,425,156, C>G on the plus strand (G>C on the coding strand, the complement: POC1B is on the minus strand). VCF-style: chr12-89425156-C-G. GRCh37 (hg19) VCF-style: chr12-89818933-C-G.
Other names: c.642+41614G>C (NM_001425796.1); c.1032+41614G>C (NM_001425795.1); c.1113+34482G>C (NM_001425794.1); c.643-23548G>C (NM_001425773.1); c.1114-23548G>C (NM_001425772.1); c.1114-20811G>C (NM_001425771.1); c.1206+5G>C (NM_001199777.2).
Identifiers: ClinVar variation 4279628 (VCV004279628.1).

ClinVar aggregate classification (germline): Uncertain significance (1 of 4 stars; one submission).

Conditions:
Cone-rod dystrophy 20 (CORD20). Identifiers: Orphanet 1872, MedGen C4014856, MONDO:0014427, OMIM 615973.

Submission:

Diagnostics Services (NGS), CSIR - Centre For Cellular And Molecular Biology
Classification: Uncertain significance for Cone-rod dystrophy 20. Last evaluated: 2025-09-30. Review status: criteria provided, single submitter. Criteria: ACMG Guidelines, 2015. Collection method: clinical testing. Allele origin: germline. Affected: yes. Observed: 1 variant allele, 1 homozygote.
Comment: The c.1332+5G>C variant is not present in publicly available population databases like 1000 Genomes, EVS, gnomAD, Indian Exome Database or our internal database. This variant has neither been published in literature in individuals affected with POC1B-related conditions nor reported to the clinical databases like Human Genome Mutation Database (HGMD), ClinVar or OMIM, in any affected individuals. This variant is located near the exon-intron splice junction of the gene (splice distance- 5 bp) and algorithms developed to predict the effect of sequence changes on RNA splicing suggest that this variant can disrupt splicing. In-silico pathogenicity prediction programs like HSF3.1, MutationTaster2021, CADD, etc predicted this variant to be likely deleterious however these predictions were not confirmed by published functional/translational studies.